The following is an entry in ClinVar:

ClinVar aggregate classification (germline): Uncertain significance. Review status: criteria provided, multiple submitters, no conflicts (2 of 4 stars). 2 submissions from 2 submitters: Uncertain significance (2). Last evaluated 2026-03-07.

Conditions:
Cardiovascular phenotype. Identifiers: MedGen CN230736.

Submissions (2):

GeneDx
Classification: Uncertain significance. Last evaluated: 2026-03-07. Review status: criteria provided, single submitter. Criteria: GeneDx Variant Classification Process June 2021. Collection method: clinical testing. Allele origin: germline.
Comment: Not observed at significant frequency in large population cohorts (gnomAD); In silico analysis supports that this missense variant has a deleterious effect on protein structure/function; Has not been previously published as pathogenic or benign to our knowledge; Also known as p.(G754R)

Ambry Genetics
Classification: Uncertain significance for Cardiovascular phenotype. Last evaluated: 2025-05-28. Review status: criteria provided, single submitter. Criteria: Ambry Variant Classification Scheme 2023. Collection method: clinical testing. Allele origin: germline.

NM_000384.3(APOB):c.2341G>A (p.Gly781Arg)

Gene: APOB (apolipoprotein B; minus strand). Cytogenetic location: 2p24.1.
Variant type: single nucleotide variant.
Coding change: c.2341G>A on transcript NM_000384.3 (MANE Select); coding-DNA position 2341, G replaced by A.
Protein change: p.Gly781Arg; replaces glycine 781 with arginine.
Molecular consequence: missense variant.
Genome position (GRCh38, 1-based): chr2:21,025,028, C>T on the plus strand (G>A on the coding strand, the complement: APOB is on the minus strand). VCF-style: chr2-21025028-C-T. GRCh37 (hg19) VCF-style: chr2-21247900-C-T.
Other names: short protein forms G781R.
Identifiers: ClinVar variation 3933931 (VCV003933931.2).